The following is an entry in ClinVar:

NM_001354604.2(MITF):c.714T>G (p.Asn238Lys)

Gene: MITF (melanocyte inducing transcription factor; plus strand). Cytogenetic location: 3p13.
Variant type: single nucleotide variant.
Coding change: c.714T>G on transcript NM_001354604.2 (MANE Select); coding-DNA position 714, T replaced by G.
Protein change: p.Asn238Lys; replaces asparagine 238 with lysine.
Molecular consequence: missense variant.
Genome position (GRCh38, 1-based): chr3:69,941,283, T>G. VCF-style: chr3-69941283-T-G. GRCh37 (hg19) VCF-style: chr3-69990434-T-G.
Other names: c.393T>G, p.Asn131Lys (NM_000248.4, NM_198158.3); c.558T>G, p.Asn186Lys (NM_001184967.2, NM_001354608.2); c.711T>G, p.Asn237Lys (NM_001354605.2, NM_001354606.2, NM_006722.3); c.663T>G, p.Asn221Lys (NM_001354607.2); c.714T>G, p.Asn238Lys (NM_198159.3); c.666T>G, p.Asn222Lys (NM_198177.3); c.225T>G, p.Asn75Lys (NM_198178.3); short protein forms N131K, N186K, N238K, N222K, N221K, N237K, N75K.
Identifiers: ClinVar variation 3396335 (VCV003396335.1).

ClinVar aggregate classification (germline): Uncertain significance (1 of 4 stars; one submission).

Conditions:
Hereditary cancer-predisposing syndrome. Also called: Hereditary Cancer Syndrome; Tumor predisposition; Hereditary neoplastic syndrome; Neoplastic Syndromes, Hereditary. Identifiers: Orphanet 140162, MedGen C0027672, MeSH D009386, MONDO:0015356.

Submission:

Ambry Genetics
Classification: Uncertain significance for Hereditary cancer-predisposing syndrome. Last evaluated: 2024-11-22. Review status: criteria provided, single submitter. Criteria: Ambry Variant Classification Scheme 2023. Collection method: clinical testing. Allele origin: germline.
Comment: The p.N131K variant (also known as c.393T>G), located in coding exon 4 of the MITF gene, results from a T to G substitution at nucleotide position 393. The asparagine at codon 131 is replaced by lysine, an amino acid with similar properties. This amino acid position is conserved. In addition, this alteration is predicted to be tolerated by in silico analysis. Based on the available evidence, the clinical significance of this variant remains unclear.